The following is an entry in ClinVar:

ClinVar aggregate classification (germline): Uncertain significance (1 of 4 stars; one submission).

Conditions:
Encephalopathy, acute, infection-induced (herpes-specific), susceptibility to, 1. Also called: Herpes simplex encephalitis, susceptibility to, 1. Identifiers: Orphanet 1930, MedGen C2750180, MONDO:0024563, OMIM 610551.

Allele frequency attached by ClinVar (database versions not stated): gnomAD exomes below 0.00001.
gnomAD v4.1: 2 of 1,614,038 alleles (0.00012%); highest among the groups gnomAD compares: Admixed American, 0.0017%; no homozygotes.

Submission:

Labcorp Genetics (formerly Invitae), Labcorp
Classification: Uncertain significance for Encephalopathy, acute, infection-induced (herpes-specific), susceptibility to, 1. Last evaluated: 2025-06-23. Review status: criteria provided, single submitter. Criteria: Invitae Variant Classification Sherloc (09022015). Collection method: clinical testing. Allele origin: germline.
Comment: This sequence change replaces leucine, which is neutral and non-polar, with serine, which is neutral and polar, at codon 893 of the TLR3 protein (p.Leu893Ser). This variant is not present in population databases (gnomAD no frequency). This variant has not been reported in the literature in individuals affected with TLR3-related conditions. ClinVar contains an entry for this variant (Variation ID: 1512904). An algorithm developed to predict the effect of missense changes on protein structure and function (PolyPhen-2) suggests that this variant is likely to be disruptive. In summary, the available evidence is currently insufficient to determine the role of this variant in disease. Therefore, it has been classified as a Variant of Uncertain Significance.

NM_003265.3(TLR3):c.2678T>C (p.Leu893Ser)

Gene: TLR3 (toll like receptor 3; plus strand). Cytogenetic location: 4q35.1.
Variant type: single nucleotide variant.
Coding change: c.2678T>C on transcript NM_003265.3 (MANE Select); coding-DNA position 2678, T replaced by C.
Protein change: p.Leu893Ser; replaces leucine 893 with serine.
Molecular consequence: missense variant.
Genome position (GRCh38, 1-based): chr4:186,084,836, T>C. VCF-style: chr4-186084836-T-C. GRCh37 (hg19) VCF-style: chr4-187005990-T-C.
Other names: short protein forms L893S.
Identifiers: ClinVar variation 1512904 (VCV001512904.6), dbSNP rs932166074, ClinGen allele CA112100001.
Genomic context (GRCh38, chr4:186,084,836, plus strand): 5'-CTCACTGCATCTTGAACTGGCCAGTTCAGAAAGAACGGATAGGTGCCTTTCGTCATAAAT[T>C]GCAAGTAGCACTTGGATCCAAAAACTCTGTACATTAAATTTATTTAAATATTCAATTAGC-3'
Protein context (NP_003256.1, residues 883-903): KERIGAFRHK[Leu893Ser]QVALGSKNSV